The following is an entry in ClinVar:

NM_000492.4(CFTR):c.1006_1007insG (p.Ile336fs)

Gene: CFTR (CF transmembrane conductance regulator; plus strand). Cytogenetic location: 7q31.2.
Variant type: Insertion.
Coding change: c.1006_1007insG on transcript NM_000492.4 (MANE Select); coding-DNA positions 1006 to 1007, G inserted.
Protein change: p.Ile336fs; shifts the reading frame from isoleucine 336.
Molecular consequence: frameshift variant.
Genome position: GRCh38 VCF-style: chr7-117540236-A-AG. GRCh37 (hg19) VCF-style: chr7-117180290-A-AG.
Other names: 1138insG; short protein forms I336fs.
Identifiers: ClinVar variation 53161 (VCV000053161.19), dbSNP rs397508138, ClinGen allele CA326362.
Genomic context (GRCh38, chr7:117,540,236, plus strand): 5'-TTTGTGGTGTTTTTATCTGTGCTTCCCTATGCACTAATCAAAGGAATCATCCTCCGGAAA[A>AG]TATTCACCACCATCTCATTCTGCATTGTTCTGCGCATGGCGGTCACTCGGCAATTTCCCT-3'

ClinVar aggregate classification (germline): Pathogenic. Review status: reviewed by expert panel (3 of 4 stars). 8 submissions from 8 submitters: Pathogenic (1). 7 of the submissions do not count toward it. Last evaluated 2017-03-17.

Conditions:
CFTR-related disorder (CFTR-RD). Also called: CFTR-related disorders; CFTR-related condition. Identifiers: MedGen C5924204, MONDO:7770004.
Cystic fibrosis (CF). Also called: MUCOVISCIDOSIS. Identifiers: Orphanet 586, MedGen C0010674, MONDO:0009061, OMIM 219700. Disease mechanism: loss of function.

Allele frequency attached by ClinVar (database versions not stated): gnomAD exomes 0.00002 and 0.00001.

Submissions (8):

CFTR2
Classification: Pathogenic for Cystic fibrosis. Last evaluated: 2017-03-17. Review status: reviewed by expert panel. Criteria: Sosnay PR et al. (Nat Genet 2013). Collection method: research. Allele origin: germline. Affected: yes. Study: CFTR2.

Victorian Clinical Genetics Services, Murdoch Childrens Research Institute
Classification: Pathogenic for Cystic fibrosis. Last evaluated: 2026-06-30. Review status: criteria provided, single submitter. Criteria: ACMG Guidelines, 2015. Collection method: clinical testing. Allele origin: germline. Affected: no. Not counted in ClinVar's aggregate classification.
Comment: This variant is classified as Pathogenic. Evidence in support of pathogenic classification: Variant is predicted to cause nonsense-mediated decay (NMD) and loss of protein (premature termination codon is located at least 54 nucleotides upstream of the final exon-exon junction); Variant is present in gnomAD (v2) <0.01 for a recessive condition (3 heterozygotes, 0 homozygotes); This variant has strong previous evidence of pathogenicity in unrelated individuals. This variant has been reported as pathogenic by an expert panel, and is regarded as a cystic fibrosis-causing variant (ClinVar); Other NMD-predicted variants comparable to the one identified in this case have very strong previous evidence for pathogenicity (DECIPHER). Additional information: This variant is heterozygous; This gene is associated with autosomal recessive disease; Loss of function is a known mechanism of disease in this gene and is associated with cystic fibrosis (MIM#219700).

Labcorp Genetics (formerly Invitae), Labcorp
Classification: Pathogenic for Cystic fibrosis. Last evaluated: 2025-12-10. Review status: criteria provided, single submitter. Criteria: Invitae Variant Classification Sherloc (09022015). Collection method: clinical testing. Allele origin: germline. Not counted in ClinVar's aggregate classification.
Comment: This sequence change creates a premature translational stop signal (p.Ile336Serfs*28) in the CFTR gene. It is expected to result in an absent or disrupted protein product. Loss-of-function variants in CFTR are known to be pathogenic (PMID: 1695717, 7691345, 9725922). This variant is present in population databases (rs397508138, gnomAD 0.003%). This premature translational stop signal has been observed in individual(s) with cystic fibrosis or chronic pancreatitis (PMID: 22658665, 23974870). ClinVar contains an entry for this variant (Variation ID: 53161). For these reasons, this variant has been classified as Pathogenic.

Natera, Inc.
Classification: Pathogenic for CFTR-related disorders. Last evaluated: 2024-10-21. Review status: criteria provided, single submitter. Criteria: Natera Variant Classification Schema (03/2026). Collection method: clinical testing. Allele origin: germline. Not counted in ClinVar's aggregate classification.
Comment: The c.1006_1007insG variant in CFTR is a frameshift variant predicted to shift the reading frame beginning at codon 336 and leads to a stop codon 28 codons downstream. This variant is expected to result in nonsense mediated decay, truncation, or a dysfunctional protein product. This variant is rare in the general population with a frequency below the threshold expected for the associated phenotype(s). This variant has been observed in one or more individuals affected with the associated recessive disease, as either homozygous or compound heterozygous with a second variant (PMID: 27214204). Given the available evidence, this variant is classified as Pathogenic.

Women's Health and Genetics/Laboratory Corporation of America, LabCorp
Classification: Pathogenic for Cystic fibrosis. Last evaluated: 2023-11-01. Review status: criteria provided, single submitter. Criteria: LabCorp Variant Classification Summary - May 2015. Collection method: clinical testing. Allele origin: germline. Not counted in ClinVar's aggregate classification.
Comment: Variant summary: CFTR c.1006_1007insG (p.Ile336SerfsX28) results in a premature termination codon, predicted to cause a truncation of the encoded protein or absence of the protein due to nonsense mediated decay, which are commonly known mechanisms for disease. Variants downstream of this position have been classified as pathogenic by our laboratory. The variant allele was found at a frequency of 1.2e-05 in 251248 control chromosomes (gnomAD). c.1006_1007insG has been reported in the literature in individuals affected with cystic fibrosis or chronic pancreatitis (examples: Ooi_2012, Beauchamp_2019). The following publications have been ascertained in the context of this evaluation (PMID: 31036917, 22658665). Six submitters(including CFTR2 expert panel) have cited clinical-significance assessments for this variant to ClinVar after 2014. All submitters classified the variant as pathogenic. Based on the evidence outlined above, the variant was classified as pathogenic.

Institute of Human Genetics, University of Leipzig Medical Center
Classification: Pathogenic for Cystic fibrosis. Last evaluated: 2022-09-05. Review status: criteria provided, single submitter. Criteria: ACMG Guidelines, 2015. Collection method: curation. Allele origin: unknown. Affected: yes. Observed: 1 variant allele. Not counted in ClinVar's aggregate classification.
Comment: The variant was classified in the context of a project re-classifying variants in the German Cystic Fibrosis Registry (Muko.e.V.). Criteria applied: PVS1, PM2_SUP, PM3_VSTR, PP4

Ambry Genetics
Classification: Pathogenic for Cystic fibrosis. Last evaluated: 2021-02-02. Review status: criteria provided, single submitter. Criteria: Ambry Variant Classification Scheme 2023. Collection method: clinical testing. Allele origin: germline. Not counted in ClinVar's aggregate classification.
Comment: The c.1006_1007insG pathogenic mutation, located in coding exon 8 of the CFTR gene, results from an insertion of one nucleotide at position 1006, causing a translational frameshift with a predicted alternate stop codon (p.I336Sfs*28). This alteration is expected to result in loss of function by premature protein truncation or nonsense-mediated mRNA decay. As such, this alteration is interpreted as a disease-causing mutation.

Johns Hopkins Genomics, Johns Hopkins University
Classification: Pathogenic for Cystic fibrosis. Last evaluated: 2019-10-16. Review status: criteria provided, single submitter. Criteria: ACMG Guidelines, 2015. Collection method: clinical testing. Allele origin: germline. Not counted in ClinVar's aggregate classification.
Comment: Disease-causing CFTR variant. See CFTR2 for phenotype information.

Literature cited by the submitters: PubMed 1695717 (cited by Labcorp Genetics (formerly Invitae), Labcorp); PubMed 7691345 (cited by Labcorp Genetics (formerly Invitae), Labcorp); PubMed 9725922 (cited by Labcorp Genetics (formerly Invitae), Labcorp); PubMed 22658665 (cited by Labcorp Genetics (formerly Invitae), Labcorp and Women's Health and Genetics/Laboratory Corporation of America, LabCorp); PubMed 23974870 (cited by Labcorp Genetics (formerly Invitae), Labcorp); PubMed 27214204 (cited by Natera, Inc.); PubMed 31036917 (cited by Women's Health and Genetics/Laboratory Corporation of America, LabCorp).